The following is an entry in ClinVar:

NM_016203.4(PRKAG2):c.399G>T (p.Glu133Asp)

Gene: PRKAG2 (protein kinase AMP-activated non-catalytic subunit gamma 2; minus strand). Cytogenetic location: 7q36.1.
Variant type: single nucleotide variant.
Coding change: c.399G>T on transcript NM_016203.4 (MANE Select); coding-DNA position 399, G replaced by T.
Protein change: p.Glu133Asp; replaces glutamic acid 133 with aspartic acid.
Molecular consequence: missense variant. On other transcripts: intron variant (1).
Genome position (GRCh38, 1-based): chr7:151,781,219, C>A on the plus strand (G>T on the coding strand, the complement: PRKAG2 is on the minus strand). VCF-style: chr7-151781219-C-A. GRCh37 (hg19) VCF-style: chr7-151478305-C-A.
Other names: c.267G>T, p.Glu89Asp (NM_001040633.2, NM_001407024.1, NM_001407026.1 and 2 more transcripts); c.399G>T, p.Glu133Asp (NM_001407021.1, NM_001407022.1, NM_001407023.1 and 2 more transcripts); c.148+33197G>T (NM_001407032.1); short protein forms E133D, E89D.
Identifiers: ClinVar variation 4758302 (VCV004758302.1).
Genomic context (GRCh38, chr7:151,781,219, plus strand): 5'-GGAGCGGGAGAAAAACCTGATGCCCCCGGGCGAGGTAGCAGGGTTGGAGTTGGGGGAAGA[C>A]TCTTTGGAGGAGGAGCGGAAGATCCCACTGAAGCTCATGCGTCGAGGGGAGCGTGGCGGG-3'
Protein context (NP_057287.2, residues 123-143): FSGIFRSSSK[Glu133Asp]SSPNSNPATS

ClinVar aggregate classification (germline): Uncertain significance (1 of 4 stars; one submission).

Conditions:
Cardiomyopathy (CMYO). Also called: Cardiomyopathies. Identifiers: Orphanet 167848, MedGen C0878544, MONDO:0004994, HP:0001638. Inheritance: Various modes of inheritance.

gnomAD v4.1: 1 of 1,614,100 alleles (0.000062%); highest among the groups gnomAD compares: Non-Finnish European, 0.000085%; no homozygotes.

Submission:

Color Diagnostics, LLC DBA Color Health
Classification: Uncertain significance for Cardiomyopathy. Last evaluated: 2025-07-25. Review status: criteria provided, single submitter. Criteria: ACMG Guidelines, 2015. Collection method: clinical testing. Allele origin: germline.
Comment: This missense variant replaces glutamic acid with aspartic acid at codon 133 of the PRKAG2 protein. Computational prediction suggests that this variant may not impact protein structure and function. To our knowledge, functional studies have not been reported for this variant. This variant has not been reported in individuals affected with PRKAG2-related disorders in the literature. This variant has not been identified in the general population by the Genome Aggregation Database (gnomAD). The available evidence is insufficient to determine the role of this variant in disease conclusively. Therefore, this variant is classified as a Variant of Uncertain Significance.